The following is an entry in ClinVar:

ClinVar aggregate classification (germline): Uncertain significance. Review status: criteria provided, multiple submitters, no conflicts (2 of 4 stars). 2 submissions from 2 submitters: Uncertain significance (2). Last evaluated 2025-12-10.

Allele frequency attached by ClinVar (database versions not stated): gnomAD exomes below 0.00001; gnomAD 0.00001.
gnomAD v4.1: 7 of 1,535,670 alleles (0.00046%); highest among the groups gnomAD compares: African/African-American, 0.0014%; no homozygotes.

Submissions (2):

Labcorp Genetics (formerly Invitae), Labcorp
Classification: Uncertain significance. Last evaluated: 2025-12-10. Review status: criteria provided, single submitter. Criteria: Invitae Variant Classification Sherloc (09022015). Collection method: clinical testing. Allele origin: germline.
Comment: This sequence change replaces glycine, which is neutral and non-polar, with serine, which is neutral and polar, at codon 780 of the BCL11B protein (p.Gly780Ser). This variant is not present in population databases (gnomAD no frequency). This variant has not been reported in the literature in individuals affected with BCL11B-related conditions. ClinVar contains an entry for this variant (Variation ID: 1934767). Invitae Evidence Modeling of protein sequence and biophysical properties (such as structural, functional, and spatial information, amino acid conservation, physicochemical variation, residue mobility, and thermodynamic stability) indicates that this missense variant is not expected to disrupt BCL11B protein function with a negative predictive value of 95%. In summary, the available evidence is currently insufficient to determine the role of this variant in disease. Therefore, it has been classified as a Variant of Uncertain Significance.

Women's Health and Genetics/Laboratory Corporation of America, LabCorp
Classification: Uncertain significance. Last evaluated: 2024-07-09. Review status: criteria provided, single submitter. Criteria: LabCorp Variant Classification Summary - May 2015. Collection method: clinical testing. Allele origin: germline.
Comment: Variant summary: BCL11B c.2338G>A (p.Gly780Ser) results in a non-conservative amino acid change in the encoded protein sequence. Four of five in-silico tools predict a benign effect of the variant on protein function. The frequency data for this variant in gnomAD is considered unreliable, as metrics indicate poor data quality at this position. To our knowledge, no occurrence of c.2338G>A in individuals affected with BCL11B-Related Disorders and no experimental evidence demonstrating its impact on protein function have been reported. ClinVar contains an entry for this variant (Variation ID: 1934767). Based on the evidence outlined above, the variant was classified as uncertain significance.

NM_138576.4(BCL11B):c.2338G>A (p.Gly780Ser)

Gene: BCL11B (BCL11 transcription factor B; minus strand). Cytogenetic location: 14q32.2.
Variant type: single nucleotide variant.
Coding change: c.2338G>A on transcript NM_138576.4 (MANE Select); coding-DNA position 2338, G replaced by A.
Protein change: p.Gly780Ser; replaces glycine 780 with serine.
Molecular consequence: missense variant.
Genome position (GRCh38, 1-based): chr14:99,174,498, C>T on the plus strand (G>A on the coding strand, the complement: BCL11B is on the minus strand). VCF-style: chr14-99174498-C-T. GRCh37 (hg19) VCF-style: chr14-99640835-C-T.
Other names: c.2335G>A, p.Gly779Ser (NM_001282237.2); c.2122G>A, p.Gly708Ser (NM_001282238.2); c.2125G>A, p.Gly709Ser (NM_022898.3); short protein forms G780S, G709S, G779S, G708S.
Identifiers: ClinVar variation 1934767 (VCV001934767.6), dbSNP rs1430747853, ClinGen allele CA390933451.